The following is an entry in ClinVar:

ClinVar aggregate classification (germline): Uncertain significance. Review status: criteria provided, multiple submitters, no conflicts (2 of 4 stars). 2 submissions from 2 submitters: Uncertain significance (2). Last evaluated 2026-03-03.

Conditions:
Inborn genetic diseases. Identifiers: MedGen C0950123, MeSH D030342.
Acute myeloid leukemia (AML). Also called: Acute myeloid leukemia, adult; AML adult; Acute non-lymphocytic leukemia; Acute granulocytic leukemia; Leukemia, acute myeloid, somatic; Leukemia, acute myelogenous, somatic. Identifiers: Orphanet 519, MedGen C0023467, MeSH D015470, MONDO:0018874, OMIM 601626, HP:0004808. Disease mechanism: Constitutively activated FLT3.

Submissions (2):

Ambry Genetics
Classification: Uncertain significance for Inborn genetic diseases. Last evaluated: 2026-03-03. Review status: criteria provided, single submitter. Criteria: Ambry Variant Classification Scheme 2023. Collection method: clinical testing. Allele origin: germline.
Comment: The p.G103R variant (also known as c.307G>C), located in coding exon 1 of the CEBPA gene, results from a G to C substitution at nucleotide position 307. The glycine at codon 103 is replaced by arginine, an amino acid with dissimilar properties. This amino acid position is conserved. In addition, this alteration is predicted to be tolerated by in silico analysis. Based on the available evidence, the clinical significance of this variant remains unclear.

Labcorp Genetics (formerly Invitae), Labcorp
Classification: Uncertain significance for Acute myeloid leukemia. Last evaluated: 2024-04-10. Review status: criteria provided, single submitter. Criteria: Invitae Variant Classification Sherloc (09022015). Collection method: clinical testing. Allele origin: germline.
Comment: This sequence change replaces glycine, which is neutral and non-polar, with arginine, which is basic and polar, at codon 103 of the CEBPA protein (p.Gly103Arg). This variant is not present in population databases (gnomAD no frequency). This variant has not been reported in the literature in individuals affected with CEBPA-related conditions. ClinVar contains an entry for this variant (Variation ID: 2037539). An algorithm developed to predict the effect of missense changes on protein structure and function (PolyPhen-2) suggests that this variant is likely to be disruptive. In summary, the available evidence is currently insufficient to determine the role of this variant in disease. Therefore, it has been classified as a Variant of Uncertain Significance.

NM_004364.5(CEBPA):c.307G>C (p.Gly103Arg)

Gene: CEBPA (CCAAT enhancer binding protein alpha; minus strand). Cytogenetic location: 19q13.11.
Variant type: single nucleotide variant.
Coding change: c.307G>C on transcript NM_004364.5 (MANE Select); coding-DNA position 307, G replaced by C.
Protein change: p.Gly103Arg; replaces glycine 103 with arginine.
Molecular consequence: missense variant. On other transcripts: 5 prime UTR variant (1).
Genome position (GRCh38, 1-based): chr19:33,302,108, C>G on the plus strand (G>C on the coding strand, the complement: CEBPA is on the minus strand). VCF-style: chr19-33302108-C-G. GRCh37 (hg19) VCF-style: chr19-33793014-C-G.
Other names: c.-51G>C (NM_001285829.2); c.412G>C, p.Gly138Arg (NM_001287424.2); c.265G>C, p.Gly89Arg (NM_001287435.2); short protein forms G103R, G138R, G89R.
Identifiers: ClinVar variation 2037539 (VCV002037539.5), dbSNP rs2145263145, ClinGen allele CA405275226.
Genomic context (GRCh38, chr19:33,302,108, plus strand): 5'-CCCCGGGCATGACGGCGCCGCCGGGGCCCGCGGGCGCGCCCGGGTAGTCAAAGTCGCCGC[C>G]GCCGCCGCCGCCCGTGGGGCCCACGGCCGCCTTGGCCTTCTCCTGCTGCCGGCTGTGCTG-3'
Protein context (NP_004355.2, residues 93-113): AAVGPTGGGG[Gly103Arg]GDFDYPGAPA